The following is an entry in ClinVar:

NM_198576.4(AGRN):c.5988_6008dup (p.Pro1997_Pro2003dup)

Gene: AGRN (agrin; plus strand). Cytogenetic location: 1p36.33.
Variant type: Duplication.
Coding change: c.5988_6008dup on transcript NM_198576.4 (MANE Select); coding-DNA positions 5988 to 6008, 21 bases duplicated (GCCGGAGCTGCCCGTGGGCCC).
Protein change: p.Pro1997_Pro2003dup.
Molecular consequence: inframe insertion.
Genome position (GRCh38, 1-based): chr1:1,054,831-1,054,851, GCCGGAGCTGCCCGTGGGCCC duplicated. VCF-style (leftmost placement, unchanged base first): chr1-1054830-T-TGCCGGAGCTGCCCGTGGGCCC. GRCh37 (hg19) VCF-style: chr1-990210-T-TGCCGGAGCTGCCCGTGGGCCC.
Other names: c.6057_6077dup, p.Pro2020_Pro2026dup (NM_001305275.2); c.5685_5705dup, p.Pro1896_Pro1902dup (NM_001364727.2).
Identifiers: ClinVar variation 947076 (VCV000947076.5), dbSNP rs747557413, ClinGen allele CA510305.

ClinVar aggregate classification (germline): Uncertain significance (1 of 4 stars; one submission).

Conditions:
Congenital myasthenic syndrome 8. Also called: MYASTHENIC SYNDROME, CONGENITAL, DUE TO AGRIN DEFICIENCY; Myasthenic syndrome, congenital, 8, with pre- and postsynaptic defects. Identifiers: Orphanet 590, MedGen C3808739, MONDO:0014052, OMIM 615120.

Allele frequency attached by ClinVar (database versions not stated): TOPMed 0.00001; gnomAD 0.00002 and 0.00003; gnomAD exomes 0.00003 and 0.00005; ExAC 0.00011.

Submission:

Labcorp Genetics (formerly Invitae), Labcorp
Classification: Uncertain significance for Congenital myasthenic syndrome 8. Last evaluated: 2024-01-04. Review status: criteria provided, single submitter. Criteria: Invitae Variant Classification Sherloc (09022015). Collection method: clinical testing. Allele origin: germline.
Comment: This variant, c.5988_6008dup, results in the insertion of 7 amino acid(s) of the AGRN protein (p.Pro1997_Pro2003dup), but otherwise preserves the integrity of the reading frame. This variant is present in population databases (rs747557413, gnomAD 0.03%). This variant has not been reported in the literature in individuals affected with AGRN-related conditions. ClinVar contains an entry for this variant (Variation ID: 947076). Experimental studies and prediction algorithms are not available or were not evaluated, and the functional significance of this variant is currently unknown. In summary, the available evidence is currently insufficient to determine the role of this variant in disease. Therefore, it has been classified as a Variant of Uncertain Significance.